The following is an entry in ClinVar:

NM_003919.3(SGCE):c.475C>T (p.Pro159Ser)

Genes: CASD1 (CAS1 domain sialic acid O acetyltransferase 1; plus strand), SGCE (sarcoglycan epsilon; minus strand). Cytogenetic location: 7q21.3.
Variant type: single nucleotide variant.
Coding change: c.475C>T on transcript NM_003919.3 (MANE Select); coding-DNA position 475, C replaced by T.
Protein change: p.Pro159Ser; replaces proline 159 with serine.
Molecular consequence: missense variant.
Genome position (GRCh38, 1-based): chr7:94,618,945, G>A on the plus strand (C>T on the coding strand, the complement: SGCE is on the minus strand). VCF-style: chr7-94618945-G-A. GRCh37 (hg19) VCF-style: chr7-94248257-G-A.
Other names: c.475C>T, p.Pro159Ser (NM_001099400.2, NM_001099401.2, NM_001346717.2); c.352C>T, p.Pro118Ser (NM_001301139.2, NM_001362809.2); c.583C>T, p.Pro195Ser (NM_001346713.2, NM_001346715.2); c.388C>T, p.Pro130Ser (NM_001346719.2, NM_001362807.2); c.202C>T, p.Pro68Ser (NM_001346720.2, NM_001362808.2); c.475C>T (NM_003919.2); short protein forms P159S, P195S, P118S, P130S, P68S.
Identifiers: ClinVar variation 1038136 (VCV001038136.9), dbSNP rs1802351511, ClinGen allele CA368235992.
Genomic context (GRCh38, chr7:94,618,945, plus strand): 5'-CCTCACTGGCCAACATTTCTTCTACATTCATATTCTTAATGAAGAATTCTGCTTGATATG[G>A]CAACGGGAAGTCTAATTTTGGTGAAAAAGGGCATGCATATCTTTAATGAAGTAGTCTTTT-3'
Protein context (NP_003910.1, residues 149-169): NIMSAEDFPL[Pro159Ser]YQAEFFIKNM

ClinVar aggregate classification (germline): Uncertain significance. Review status: criteria provided, multiple submitters, no conflicts (2 of 4 stars). 2 submissions from 2 submitters: Uncertain significance (2). Last evaluated 2026-01-14.

Conditions:
Myoclonic dystonia 11 (DYT11). Also called: DYT-SGCE; Myoclonic dystonia; Dystonia 11; Dystonia, alcohol responsive; Hereditary essential myoclonus; SGCE Myoclonus-Dystonia. Identifiers: Orphanet 36899, MedGen C1834570, MONDO:0008044, OMIM 159900.
Inborn genetic diseases. Identifiers: MedGen C0950123, MeSH D030342.

Allele frequency attached by ClinVar (database versions not stated): gnomAD exomes below 0.00001.
gnomAD v4.1: 1 of 1,612,242 alleles (0.000062%); highest among the groups gnomAD compares: African/African-American, 0.0013%; no homozygotes.

Submissions (2):

Ambry Genetics
Classification: Uncertain significance for Inborn genetic diseases. Last evaluated: 2026-01-14. Review status: criteria provided, single submitter. Criteria: Ambry Variant Classification Scheme 2023. Collection method: clinical testing. Allele origin: germline.
Comment: The c.475C>T (p.P159S) alteration is located in exon 5 (coding exon 5) of the SGCE gene. This alteration results from a C to T substitution at nucleotide position 475, causing the proline (P) at amino acid position 159 to be replaced by a serine (S). This variant was not reported in population-based cohorts in the Genome Aggregation Database (gnomAD). This amino acid position is highly conserved in available vertebrate species. This alteration is predicted to be deleterious by in silico analysis. Based on insufficient or conflicting evidence, the clinical significance of this alteration remains unclear.

Labcorp Genetics (formerly Invitae), Labcorp
Classification: Uncertain significance for Myoclonic dystonia 11. Last evaluated: 2020-03-30. Review status: criteria provided, single submitter. Criteria: Invitae Variant Classification Sherloc (09022015). Collection method: clinical testing. Allele origin: germline.
Comment: This sequence change replaces proline with serine at codon 159 of the SGCE protein (p.Pro159Ser). The proline residue is highly conserved and there is a moderate physicochemical difference between proline and serine. This variant is not present in population databases (ExAC no frequency). This variant has not been reported in the literature in individuals with SGCE-related conditions. Algorithms developed to predict the effect of missense changes on protein structure and function are either unavailable or do not agree on the potential impact of this missense change (SIFT: "Deleterious"; PolyPhen-2: "Probably Damaging"; Align-GVGD: "Class C0"). In summary, the available evidence is currently insufficient to determine the role of this variant in disease. Therefore, it has been classified as a Variant of Uncertain Significance.